The following is an entry in ClinVar:

ClinVar aggregate classification (germline): Uncertain significance (1 of 4 stars; one submission).

Submission:

Labcorp Genetics (formerly Invitae), Labcorp
Classification: Uncertain significance. Last evaluated: 2024-10-16. Review status: criteria provided, single submitter. Criteria: Invitae Variant Classification Sherloc (09022015). Collection method: clinical testing. Allele origin: germline.
Comment: This sequence change replaces leucine, which is neutral and non-polar, with isoleucine, which is neutral and non-polar, at codon 590 of the GRID2 protein (p.Leu590Ile). This variant is not present in population databases (gnomAD no frequency). This variant has not been reported in the literature in individuals affected with GRID2-related conditions. Invitae Evidence Modeling of protein sequence and biophysical properties (such as structural, functional, and spatial information, amino acid conservation, physicochemical variation, residue mobility, and thermodynamic stability) indicates that this missense variant is not expected to disrupt GRID2 protein function with a negative predictive value of 80%. In summary, the available evidence is currently insufficient to determine the role of this variant in disease. Therefore, it has been classified as a Variant of Uncertain Significance.

NM_001510.4(GRID2):c.1768C>A (p.Leu590Ile)

Gene: GRID2 (glutamate ionotropic receptor delta type subunit 2; plus strand). Cytogenetic location: 4q22.2.
Variant type: single nucleotide variant.
Coding change: c.1768C>A on transcript NM_001510.4 (MANE Select); coding-DNA position 1768, C replaced by A.
Protein change: p.Leu590Ile; replaces leucine 590 with isoleucine.
Molecular consequence: missense variant.
Genome position (GRCh38, 1-based): chr4:93,455,884, C>A. VCF-style: chr4-93455884-C-A. GRCh37 (hg19) VCF-style: chr4-94377035-C-A.
Other names: c.1483C>A, p.Leu495Ile (NM_001286838.1); short protein forms L495I, L590I.
Identifiers: ClinVar variation 2827371 (VCV002827371.3), dbSNP rs2546629157, ClinGen allele CA357726300.